The following is an entry in ClinVar:

ClinVar aggregate classification (germline): Uncertain significance. Review status: criteria provided, multiple submitters, no conflicts (2 of 4 stars). 2 submissions from 2 submitters: Uncertain significance (2). Last evaluated 2025-12-15.

Conditions:
Long QT syndrome (LQTS). Identifiers: MedGen C0023976, MeSH D008133, MONDO:0002442. Disease mechanism: loss of function. Inheritance: Various modes of inheritance.
Cardiovascular phenotype. Identifiers: MedGen CN230736.

Allele frequency attached by ClinVar (database versions not stated): gnomAD exomes below 0.00001; TOPMed 0.00002.
gnomAD v4.1: 1 of 1,562,732 alleles (0.000064%); highest among the groups gnomAD compares: African/African-American, 0.0014%; no homozygotes.

Submissions (2):

Ambry Genetics
Classification: Uncertain significance for Cardiovascular phenotype. Last evaluated: 2025-12-15. Review status: criteria provided, single submitter. Criteria: Ambry Variant Classification Scheme 2023. Collection method: clinical testing. Allele origin: germline.

Labcorp Genetics (formerly Invitae), Labcorp
Classification: Uncertain significance for Long QT syndrome. Last evaluated: 2021-01-15. Review status: criteria provided, single submitter. Criteria: Invitae Variant Classification Sherloc (09022015). Collection method: clinical testing. Allele origin: germline.
Comment: This variant has not been reported in the literature in individuals with AKAP9-related conditions. In summary, the available evidence is currently insufficient to determine the role of this variant in disease. Therefore, it has been classified as a Variant of Uncertain Significance. Algorithms developed to predict the effect of missense changes on protein structure and function output the following: SIFT: "Tolerated"; PolyPhen-2: "Benign"; Align-GVGD: "Class C0". The lysine amino acid residue is found in multiple mammalian species, suggesting that this missense change does not adversely affect protein function. These predictions have not been confirmed by published functional studies and their clinical significance is uncertain. This variant is not present in population databases (ExAC no frequency). This sequence change replaces asparagine with lysine at codon 2635 of the AKAP9 protein (p.Asn2635Lys). The asparagine residue is moderately conserved and there is a moderate physicochemical difference between asparagine and lysine.

NM_005751.5(AKAP9):c.7905T>G (p.Asn2635Lys)

Gene: AKAP9 (A-kinase anchoring protein 9; plus strand). Cytogenetic location: 7q21.2.
Variant type: single nucleotide variant.
Coding change: c.7905T>G on transcript NM_005751.5 (MANE Select); coding-DNA position 7905, T replaced by G.
Protein change: p.Asn2635Lys; replaces asparagine 2635 with lysine.
Molecular consequence: missense variant.
Genome position (GRCh38, 1-based): chr7:92,080,038, T>G. VCF-style: chr7-92080038-T-G. GRCh37 (hg19) VCF-style: chr7-91709352-T-G.
Other names: c.2550T>G, p.Asn850Lys (NM_001379277.1); c.7881T>G, p.Asn2627Lys (NM_147185.3); c.7905T>G (NM_005751.4); short protein forms N2627K, N2635K, N850K.
Identifiers: ClinVar variation 1502748 (VCV001502748.9), dbSNP rs1344028429, ClinGen allele CA368136788.